The following is an entry in ClinVar:

NM_005614.4(RHEB):c.487A>G (p.Ile163Val)

Gene: RHEB (Ras homolog, mTORC1 binding; minus strand). Cytogenetic location: 7q36.1.
Variant type: single nucleotide variant.
Coding change: c.487A>G on transcript NM_005614.4 (MANE Select); coding-DNA position 487, A replaced by G.
Protein change: p.Ile163Val; replaces isoleucine 163 with valine.
Molecular consequence: missense variant.
Genome position (GRCh38, 1-based): chr7:151,467,187, T>C on the plus strand (A>G on the coding strand, the complement: RHEB is on the minus strand). VCF-style: chr7-151467187-T-C. GRCh37 (hg19) VCF-style: chr7-151164273-T-C.
Other names: short protein forms I163V.
Identifiers: ClinVar variation 2573771 (VCV002573771.1), dbSNP rs1159638088, ClinGen allele CA370046259.

ClinVar aggregate classification (germline): Uncertain significance (1 of 4 stars; one submission).

Allele frequency attached by ClinVar (database versions not stated): gnomAD exomes below 0.00001.
gnomAD v4.1: 1 of 1,613,574 alleles (0.000062%); highest among the groups gnomAD compares: Non-Finnish European, 0.000085%; no homozygotes.

Submission:

GeneDx
Classification: Uncertain significance. Last evaluated: 2023-01-19. Review status: criteria provided, single submitter. Criteria: GeneDx Variant Classification Process June 2021. Collection method: clinical testing. Allele origin: germline. Affected: yes.
Comment: In silico analysis supports that this missense variant does not alter protein structure/function; Has not been previously published as pathogenic or benign to our knowledge